The following is an entry in ClinVar:

ClinVar aggregate classification (germline): Likely benign (1 of 4 stars; one submission).

Submission:

CeGaT Center for Human Genetics Tuebingen
Classification: Likely benign. Last evaluated: 2025-02-01. Review status: criteria provided, single submitter. Criteria: CeGaT Center For Human Genetics Tuebingen Variant Classification Criteria Version 2. Collection method: clinical testing. Allele origin: germline. Affected: yes. Observed: 1 variant allele.
Comment: NAA15: PM2:Supporting, BP4, BP7

NM_057175.5(NAA15):c.489T>C (p.Asp163=)

Gene: NAA15 (N-alpha-acetyltransferase 15, NatA auxiliary subunit; plus strand). Cytogenetic location: 4q31.1.
Variant type: single nucleotide variant.
Coding change: c.489T>C on transcript NM_057175.5 (MANE Select); coding-DNA position 489, T replaced by C.
Protein change: p.Asp163=; no amino-acid change (aspartic acid 163 retained).
Molecular consequence: synonymous variant.
Genome position (GRCh38, 1-based): chr4:139,342,912, T>C. VCF-style: chr4-139342912-T-C. GRCh37 (hg19) VCF-style: chr4-140264066-T-C.
Other names: c.489T>C, p.Asp163= (NM_001410842.1).
Identifiers: ClinVar variation 3772527 (VCV003772527.13).